The following is an entry in ClinVar:

ClinVar aggregate classification (germline): Uncertain significance (1 of 4 stars; one submission).

Conditions:
Joubert syndrome. Also called: CEREBELLOPARENCHYMAL DISORDER IV; JOUBERT-BOLTSHAUSER SYNDROME; Familial aplasia of the vermis. Identifiers: Orphanet 475, MedGen C5979921, MONDO:0018772.
Meckel-Gruber syndrome. Also called: DYSENCEPHALIA SPLANCHNOCYSTICA; GRUBER SYNDROME; Dysencephalia splachnocystica. Identifiers: Orphanet 564, MedGen C0265215, MONDO:0018921.

Allele frequency attached by ClinVar (database versions not stated): gnomAD 0.00001; gnomAD exomes 0.00001; ExAC 0.00002; 1000 Genomes Project 0.00020; 1000 Genomes Project 30x 0.00031.
gnomAD v4.1: 9 of 1,613,186 alleles (0.00056%); highest among the groups gnomAD compares: South Asian, 0.0099%; no homozygotes.

Submission:

Labcorp Genetics (formerly Invitae), Labcorp
Classification: Uncertain significance for Joubert syndrome; Meckel-Gruber syndrome. Last evaluated: 2023-10-09. Review status: criteria provided, single submitter. Criteria: Invitae Variant Classification Sherloc (09022015). Collection method: clinical testing. Allele origin: germline.
Comment: This sequence change replaces lysine, which is basic and polar, with threonine, which is neutral and polar, at codon 397 of the RPGRIP1L protein (p.Lys397Thr). This variant is present in population databases (rs571212511, gnomAD 0.003%). This variant has not been reported in the literature in individuals affected with RPGRIP1L-related conditions. ClinVar contains an entry for this variant (Variation ID: 1432095). Advanced modeling of protein sequence and biophysical properties (such as structural, functional, and spatial information, amino acid conservation, physicochemical variation, residue mobility, and thermodynamic stability) performed at Invitae indicates that this missense variant is not expected to disrupt RPGRIP1L protein function. In summary, the available evidence is currently insufficient to determine the role of this variant in disease. Therefore, it has been classified as a Variant of Uncertain Significance.

NM_015272.5(RPGRIP1L):c.1190A>C (p.Lys397Thr)

Gene: RPGRIP1L (RPGRIP1 like; minus strand). Cytogenetic location: 16q12.2.
Variant type: single nucleotide variant.
Coding change: c.1190A>C on transcript NM_015272.5 (MANE Select); coding-DNA position 1190, A replaced by C.
Protein change: p.Lys397Thr; replaces lysine 397 with threonine.
Molecular consequence: missense variant.
Genome position (GRCh38, 1-based): chr16:53,664,923, T>G on the plus strand (A>C on the coding strand, the complement: RPGRIP1L is on the minus strand). VCF-style: chr16-53664923-T-G. GRCh37 (hg19) VCF-style: chr16-53698835-T-G.
Other names: c.1190A>C, p.Lys397Thr (NM_001127897.4, NM_001308334.3, NM_001330538.2); short protein forms K397T.
Identifiers: ClinVar variation 1432095 (VCV001432095.7), dbSNP rs571212511, ClinGen allele CA8057881.